The following is an entry in ClinVar:

NM_000038.6(APC):c.512G>A (p.Ser171Asn)

Gene: APC (APC regulator of Wnt signaling pathway; plus strand). Cytogenetic location: 5q22.2.
Variant type: single nucleotide variant.
Coding change: c.512G>A on transcript NM_000038.6 (MANE Select); coding-DNA position 512, G replaced by A.
Protein change: p.Ser171Asn; replaces serine 171 with asparagine.
Molecular consequence: missense variant. On other transcripts: 5 prime UTR variant (1).
Genome position (GRCh38, 1-based): chr5:112,775,718, G>A. VCF-style: chr5-112775718-G-A. GRCh37 (hg19) VCF-style: chr5-112111415-G-A.
Other names: c.512G>A, p.Ser171Asn (NM_001127510.3, NM_001354895.2, NM_001354896.2 and 2 more transcripts); c.542G>A, p.Ser181Asn (NM_001127511.3, NM_001354897.2, NM_001354902.2); c.437G>A, p.Ser146Asn (NM_001354898.2, NM_001354904.2); c.335G>A, p.Ser112Asn (NM_001354900.2, NM_001354901.2, NM_001354905.2); c.-524G>A (NM_001354906.2); short protein forms S181N, S171N, S146N, S112N.
Identifiers: ClinVar variation 630186 (VCV000630186.17), dbSNP rs1157254183, ClinGen allele CA16022445.

ClinVar aggregate classification (germline): Uncertain significance. Review status: criteria provided, multiple submitters, no conflicts (2 of 4 stars). 4 submissions from 4 submitters: Uncertain significance (4). Last evaluated 2025-04-02.

Conditions:
Hereditary cancer-predisposing syndrome. Also called: Neoplastic Syndromes, Hereditary; Tumor predisposition; Hereditary neoplastic syndrome; Hereditary Cancer Syndrome. Identifiers: Orphanet 140162, MedGen C0027672, MeSH D009386, MONDO:0015356.
Familial adenomatous polyposis 1 (FAP1). Also called: POLYPOSIS, ADENOMATOUS INTESTINAL; FAMILIAL ADENOMATOUS POLYPOSIS 1, ATTENUATED. Identifiers: MedGen C2713442, MONDO:0021056, OMIM 175100. Disease mechanism: loss of function.

Allele frequency attached by ClinVar (database versions not stated): gnomAD 0.00001.
gnomAD v4.1: 1 of 1,580,876 alleles (0.000063%); highest among the groups gnomAD compares: African/African-American, 0.0014%; no homozygotes.

Submissions (4):

Quest Diagnostics Nichols Institute San Juan Capistrano
Classification: Uncertain significance. Last evaluated: 2025-04-02. Review status: criteria provided, single submitter. Criteria: Quest Diagnostics criteria. Collection method: clinical testing. Allele origin: unknown.
Comment: The APC c.512G>A (p.Ser171Asn) variant has not been reported in individuals with APC-related conditions in the published literature. The frequency of this variant in the general population (Genome Aggregation Database) is uninformative in the assessment of its pathogenicity. Analysis of this variant using bioinformatics tools for the prediction of the effect of amino acid changes on protein structure and function yielded conflicting predictions that this variant is deleterious or benign. Based on the available information, we are unable to determine the clinical significance of this variant.

Labcorp Genetics (formerly Invitae), Labcorp
Classification: Uncertain significance for Familial adenomatous polyposis 1. Last evaluated: 2023-03-23. Review status: criteria provided, single submitter. Criteria: Invitae Variant Classification Sherloc (09022015). Collection method: clinical testing. Allele origin: germline.
Comment: This sequence change replaces serine, which is neutral and polar, with asparagine, which is neutral and polar, at codon 171 of the APC protein (p.Ser171Asn). This variant is present in population databases (no rsID available, gnomAD 0.01%). This variant has not been reported in the literature in individuals affected with APC-related conditions. ClinVar contains an entry for this variant (Variation ID: 630186). Advanced modeling of protein sequence and biophysical properties (such as structural, functional, and spatial information, amino acid conservation, physicochemical variation, residue mobility, and thermodynamic stability) performed at Invitae indicates that this missense variant is not expected to disrupt APC protein function. In summary, the available evidence is currently insufficient to determine the role of this variant in disease. Therefore, it has been classified as a Variant of Uncertain Significance.

Ambry Genetics
Classification: Uncertain significance for Hereditary cancer-predisposing syndrome. Last evaluated: 2021-01-04. Review status: criteria provided, single submitter. Criteria: Ambry Variant Classification Scheme 2023. Collection method: clinical testing. Allele origin: germline.
Comment: The p.S171N variant (also known as c.512G>A), located in coding exon 4 of the APC gene, results from a G to A substitution at nucleotide position 512. The serine at codon 171 is replaced by asparagine, an amino acid with highly similar properties. This amino acid position is highly conserved in available vertebrate species. In addition, in silico predictors for this gene do not accurately predict pathogenicity. Since supporting evidence is limited at this time, the clinical significance of this alteration remains unclear.

Color Diagnostics, LLC DBA Color Health
Classification: Uncertain significance for Hereditary cancer-predisposing syndrome. Last evaluated: 2019-06-03. Review status: criteria provided, single submitter. Criteria: ACMG Guidelines, 2015. Collection method: clinical testing. Allele origin: germline.